The following is an entry in ClinVar:

NM_025207.5(FLAD1):c.1000C>G (p.Pro334Ala)

Gene: FLAD1 (flavin adenine dinucleotide synthetase 1; plus strand). Cytogenetic location: 1q21.3.
Variant type: single nucleotide variant.
Coding change: c.1000C>G on transcript NM_025207.5 (MANE Select); coding-DNA position 1000, C replaced by G.
Protein change: p.Pro334Ala; replaces proline 334 with alanine.
Molecular consequence: missense variant.
Genome position (GRCh38, 1-based): chr1:154,988,732, C>G. VCF-style: chr1-154988732-C-G. GRCh37 (hg19) VCF-style: chr1-154961208-C-G.
Other names: c.709C>G, p.Pro237Ala (NM_001184891.2, NM_201398.3); c.703C>G, p.Pro235Ala (NM_001184892.2); short protein forms P235A, P237A, P334A.
Identifiers: ClinVar variation 2416000 (VCV002416000.3), dbSNP rs1481928334, ClinGen allele CA342748807.

ClinVar aggregate classification (germline): Uncertain significance (1 of 4 stars; one submission).

Submission:

Labcorp Genetics (formerly Invitae), Labcorp
Classification: Uncertain significance. Last evaluated: 2022-03-27. Review status: criteria provided, single submitter. Criteria: Invitae Variant Classification Sherloc (09022015). Collection method: clinical testing. Allele origin: germline.
Comment: This sequence change replaces proline, which is neutral and non-polar, with alanine, which is neutral and non-polar, at codon 334 of the FLAD1 protein (p.Pro334Ala). This variant is present in population databases (no rsID available, gnomAD 0.003%). This variant has not been reported in the literature in individuals affected with FLAD1-related conditions. Algorithms developed to predict the effect of missense changes on protein structure and function output the following: SIFT: "Tolerated"; PolyPhen-2: "Benign"; Align-GVGD: "Class C0". The alanine amino acid residue is found in multiple mammalian species, which suggests that this missense change does not adversely affect protein function. In summary, the available evidence is currently insufficient to determine the role of this variant in disease. Therefore, it has been classified as a Variant of Uncertain Significance.